The following is an entry in ClinVar:

NM_153026.3(PRICKLE1):c.1676C>T (p.Ser559Leu)

Gene: PRICKLE1 (prickle planar cell polarity protein 1; minus strand). Cytogenetic location: 12q12.
Variant type: single nucleotide variant.
Coding change: c.1676C>T on transcript NM_153026.3 (MANE Select); coding-DNA position 1676, C replaced by T.
Protein change: p.Ser559Leu; replaces serine 559 with leucine.
Molecular consequence: missense variant.
Genome position (GRCh38, 1-based): chr12:42,460,629, G>A on the plus strand (C>T on the coding strand, the complement: PRICKLE1 is on the minus strand). VCF-style: chr12-42460629-G-A. GRCh37 (hg19) VCF-style: chr12-42854431-G-A.
Other names: p.S559L:TCA>TTA; c.1676C>T, p.Ser559Leu (NM_001144881.2, NM_001144882.2, NM_001144883.2); short protein forms S559L.
Identifiers: ClinVar variation 206671 (VCV000206671.5), dbSNP rs771584708, ClinGen allele CA316996.
Genomic context (GRCh38, chr12:42,460,629, plus strand): 5'-TTGCTCATCTTCTCACAATCTTCTGTTTCCATCTCCTCAAAATTTTGCAGAGAATACAAT[G>A]ATGGCCTTGGCTTGTTTTCTCCATCCACCGAAGCCCCTAGAAGAGAGGCCAAAACAAGAT-3'
Protein context (NP_694571.2, residues 549-569): SVDGENKPRP[Ser559Leu]LYSLQNFEEM

ClinVar aggregate classification (germline): Uncertain significance. Review status: criteria provided, multiple submitters, no conflicts (2 of 4 stars). 2 submissions from 2 submitters: Uncertain significance (2). Last evaluated 2022-07-18.

Conditions:
Epilepsy, progressive myoclonic, 1B. Also called: PME. Identifiers: Orphanet 308, MedGen C2676254, MONDO:0012904, OMIM 612437.

Allele frequency attached by ClinVar (database versions not stated): TOPMed below 0.00001; gnomAD 0.00003; ExAC 0.00007; gnomAD exomes 0.00005 and 0.00001.
gnomAD v4.1: 19 of 1,611,950 alleles (0.0012%); highest among the groups gnomAD compares: East Asian, 0.038%; no homozygotes.

Submissions (2):

Labcorp Genetics (formerly Invitae), Labcorp
Classification: Uncertain significance for Epilepsy, progressive myoclonic, 1B. Last evaluated: 2022-07-18. Review status: criteria provided, single submitter. Criteria: Invitae Variant Classification Sherloc (09022015). Collection method: clinical testing. Allele origin: germline.
Comment: This sequence change replaces serine, which is neutral and polar, with leucine, which is neutral and non-polar, at codon 559 of the PRICKLE1 protein (p.Ser559Leu). This variant is present in population databases (rs771584708, gnomAD 0.06%). This variant has not been reported in the literature in individuals affected with PRICKLE1-related conditions. ClinVar contains an entry for this variant (Variation ID: 206671). Algorithms developed to predict the effect of missense changes on protein structure and function are either unavailable or do not agree on the potential impact of this missense change (SIFT: "Deleterious"; PolyPhen-2: "Benign"; Align-GVGD: "Class C0"). In summary, the available evidence is currently insufficient to determine the role of this variant in disease. Therefore, it has been classified as a Variant of Uncertain Significance.

GeneDx
Classification: Uncertain significance. Last evaluated: 2013-05-29. Review status: criteria provided, single submitter. Criteria: GeneDx Variant Classification (06012015). Collection method: clinical testing. Allele origin: germline. Affected: yes.
Comment: p.Ser559Leu (TCA>TTA): c.1676 C>T in exon 8 of the PRICKLE1 gene (NM_153026.2). The Ser559Leu missense change has not been published as a mutation, nor has it been reported as a benign polymorphism to our knowledge. It was not observed in approximately 6,500 individuals of European and African American ancestry in the NHLBI Exome Sequencing Project, indicating it is not a common benign variant in these populations. The amino acid substitution is non-conservative, as a polar Serine residue is replaced by a non-polar Leucine residue. However, it alters a poorly conserved position in the protein. One in silico algorithm predicts it may be damaging to protein structure/function, while other models suggest it may be benign. Therefore, based on the currently available information, it is unclear whether Ser559Leu is a disease-causing mutation or a rare benign variant. The variant is found in CHILD-EPI panel(s).